The following is an entry in ClinVar:

NM_000069.3(CACNA1S):c.1845C>T (p.Asp615=)

Gene: CACNA1S (calcium voltage-gated channel subunit alpha1 S; minus strand). Cytogenetic location: 1q32.1.
Variant type: single nucleotide variant.
Coding change: c.1845C>T on transcript NM_000069.3 (MANE Select); coding-DNA position 1845, C replaced by T.
Protein change: p.Asp615=; no amino-acid change (aspartic acid 615 retained).
Molecular consequence: synonymous variant.
Genome position (GRCh38, 1-based): chr1:201,075,598, G>A on the plus strand (C>T on the coding strand, the complement: CACNA1S is on the minus strand). VCF-style: chr1-201075598-G-A. GRCh37 (hg19) VCF-style: chr1-201044726-G-A.
Identifiers: ClinVar variation 541054 (VCV000541054.19), dbSNP rs200091030, ClinGen allele CA078625.

ClinVar aggregate classification (germline): Benign/Likely benign. Review status: criteria provided, multiple submitters, no conflicts (2 of 4 stars). 9 submissions from 6 submitters: Benign (5); Likely benign (4). Last evaluated 2025-12-16.

Conditions:
Hypokalemic periodic paralysis, type 1. Also called: HypoPP; Hypokalemic Periodic Paralysis Type 1 (AD). Identifiers: Orphanet 681, MedGen C3714580, MONDO:0042979, OMIM 170400.
Thyrotoxic periodic paralysis, susceptibility to, 1 (TTPP1). Identifiers: Orphanet 79102, MedGen C2749982, MONDO:0008570, OMIM 188580.
Malignant hyperthermia, susceptibility to, 5 (MHS5). Also called: CACNA1S-Related Malignant Hyperthermia Susceptibility. Identifiers: Orphanet 423, MedGen C1866077, MONDO:0011163, OMIM 601887.
Congenital myopathy 18. Also called: Myopathy, congenital, due to dihydropyridine receptor defect; DIHYDROPYRIDINE RECEPTOR CONGENITAL MYOPATHY; DHPR CONGENITAL MYOPATHY. Identifiers: MedGen C5830283, MONDO:0859514, OMIM 620246.

Allele frequency attached by ClinVar (database versions not stated): ExAC 0.00002; gnomAD 0.00003 and 0.00005; TOPMed 0.00003; gnomAD exomes 0.00005 and 0.00008; 1000 Genomes Project 30x 0.00031; 1000 Genomes Project 0.00040.
gnomAD v4.1: 128 of 1,614,142 alleles (0.0079%); highest among the groups gnomAD compares: Middle Eastern, 0.082%; 1 homozygote.

Submissions (9):

Labcorp Genetics (formerly Invitae), Labcorp
Classification: Likely benign for Hypokalemic periodic paralysis, type 1; Malignant hyperthermia, susceptibility to, 5. Last evaluated: 2025-12-16. Review status: criteria provided, single submitter. Criteria: Invitae Variant Classification Sherloc (09022015). Collection method: clinical testing. Allele origin: germline.

Blueprint Genetics
Classification: Likely benign. Last evaluated: 2024-10-08. Review status: criteria provided, single submitter. Criteria: ACMG Guidelines, 2015. Collection method: clinical testing. Allele origin: germline.

All of Us Research Program, National Institutes of Health
Classification: Likely benign for Malignant hyperthermia, susceptibility to, 5. Last evaluated: 2023-11-28. Review status: criteria provided, single submitter. Criteria: ACMG Guidelines, 2015. Collection method: clinical testing. Allele origin: germline. Inheritance: Autosomal dominant inheritance. Observed: 10 variant alleles, 10 heterozygotes.
Comment: This study involves interpretation of variants in research participants for the purpose of population health screening. Participant phenotype was not available at the time of variant classification. Additional details can be found in publication PMID: 35346344, PMCID: PMC8962531

Genome-Nilou Lab
Classification: Benign for Malignant hyperthermia, susceptibility to, 5. Last evaluated: 2023-04-11. Review status: criteria provided, single submitter. Criteria: ACMG Guidelines, 2015. Collection method: clinical testing. Allele origin: germline. Affected: no.

Genome-Nilou Lab
Classification: Benign for Thyrotoxic periodic paralysis, susceptibility to, 1. Last evaluated: 2023-04-11. Review status: criteria provided, single submitter. Criteria: ACMG Guidelines, 2015. Collection method: clinical testing. Allele origin: germline. Affected: no.

Genome-Nilou Lab
Classification: Benign for Congenital myopathy 18. Last evaluated: 2023-04-11. Review status: criteria provided, single submitter. Criteria: ACMG Guidelines, 2015. Collection method: clinical testing. Allele origin: germline. Affected: no.

Genome-Nilou Lab
Classification: Benign for Hypokalemic periodic paralysis, type 1. Last evaluated: 2023-04-11. Review status: criteria provided, single submitter. Criteria: ACMG Guidelines, 2015. Collection method: clinical testing. Allele origin: germline. Affected: no.

Color Diagnostics, LLC DBA Color Health
Classification: Likely benign for Malignant hyperthermia, susceptibility to, 5. Last evaluated: 2022-11-06. Review status: criteria provided, single submitter. Criteria: ACMG Guidelines, 2015. Collection method: clinical testing. Allele origin: germline.

Illumina Laboratory Services, Illumina
Classification: Benign for Hypokalemic periodic paralysis, type 1. Last evaluated: 2018-01-12. Review status: criteria provided, single submitter. Criteria: ICSL Variant Classification Criteria 13 December 2019. Collection method: clinical testing. Allele origin: germline.
Comment: This variant was observed in the ICSL laboratory as part of a predisposition screen in an ostensibly healthy population. It had not been previously curated by ICSL or reported in the Human Gene Mutation Database (HGMD: prior to June 1st, 2018), and was therefore a candidate for classification through an automated scoring system. Utilizing variant allele frequency, disease prevalence and penetrance estimates, and inheritance mode, an automated score was calculated to assess if this variant is too frequent to cause the disease. Based on the score and internal cut-off values, a variant classified as benign is not then subjected to further curation. The score for this variant resulted in a classification of benign for this disease.